The following is an entry in ClinVar:

ClinVar aggregate classification (germline): Uncertain significance. Review status: criteria provided, multiple submitters, no conflicts (2 of 4 stars). 2 submissions from 2 submitters: Uncertain significance (2). Last evaluated 2025-12-11.

Conditions:
Hereditary cancer-predisposing syndrome. Also called: Tumor predisposition; Hereditary neoplastic syndrome; Hereditary Cancer Syndrome; Neoplastic Syndromes, Hereditary. Identifiers: Orphanet 140162, MedGen C0027672, MeSH D009386, MONDO:0015356.
Multiple endocrine neoplasia type 4. Also called: MULTIPLE ENDOCRINE NEOPLASIA, TYPE IV. Identifiers: Orphanet 276152, MedGen C1970712, MONDO:0012552, OMIM 610755.

Submissions (2):

Ambry Genetics
Classification: Uncertain significance for Hereditary cancer-predisposing syndrome. Last evaluated: 2025-12-11. Review status: criteria provided, single submitter. Criteria: Ambry Variant Classification Scheme 2023. Collection method: clinical testing. Allele origin: germline.
Comment: The p.R195T variant (also known as c.584G>C), located in coding exon 2 of the CDKN1B gene, results from a G to C substitution at nucleotide position 584. The arginine at codon 195 is replaced by threonine, an amino acid with similar properties. This amino acid position is conserved. In addition, this alteration is predicted to be tolerated by in silico analysis. Based on the available evidence, the clinical significance of this variant remains unclear.

Labcorp Genetics (formerly Invitae), Labcorp
Classification: Uncertain significance for Multiple endocrine neoplasia type 4. Last evaluated: 2021-03-11. Review status: criteria provided, single submitter. Criteria: Invitae Variant Classification Sherloc (09022015). Collection method: clinical testing. Allele origin: germline.
Comment: This sequence change replaces arginine with threonine at codon 195 of the CDKN1B protein (p.Arg195Thr). The arginine residue is highly conserved and there is a moderate physicochemical difference between arginine and threonine. This variant is not present in population databases (ExAC no frequency). This variant has not been reported in the literature in individuals with CDKN1B-related conditions. Algorithms developed to predict the effect of missense changes on protein structure and function are either unavailable or do not agree on the potential impact of this missense change (SIFT: "Deleterious"; PolyPhen-2: "Benign"; Align-GVGD: "Class C0"). In summary, the available evidence is currently insufficient to determine the role of this variant in disease. Therefore, it has been classified as a Variant of Uncertain Significance.

NM_004064.5(CDKN1B):c.584G>C (p.Arg195Thr)

Gene: CDKN1B (cyclin dependent kinase inhibitor 1B; plus strand). Cytogenetic location: 12p13.1.
Variant type: single nucleotide variant.
Coding change: c.584G>C on transcript NM_004064.5 (MANE Select); coding-DNA position 584, G replaced by C.
Protein change: p.Arg195Thr; replaces arginine 195 with threonine.
Molecular consequence: missense variant.
Genome position (GRCh38, 1-based): chr12:12,718,933, G>C. VCF-style: chr12-12718933-G-C. GRCh37 (hg19) VCF-style: chr12-12871867-G-C.
Other names: c.584G>C (NM_004064.3); short protein forms R195T.
Identifiers: ClinVar variation 1442777 (VCV001442777.9), dbSNP rs1946513646, ClinGen allele CA383973193.